The following is an entry in ClinVar:

NM_002439.5(MSH3):c.2896G>A (p.Ala966Thr)

Gene: MSH3 (mutS homolog 3; plus strand). Cytogenetic location: 5q14.1.
Variant type: single nucleotide variant.
Coding change: c.2896G>A on transcript NM_002439.5 (MANE Select); coding-DNA position 2896, G replaced by A.
Protein change: p.Ala966Thr; replaces alanine 966 with threonine.
Molecular consequence: missense variant.
Genome position (GRCh38, 1-based): chr5:80,854,212, G>A. VCF-style: chr5-80854212-G-A. GRCh37 (hg19) VCF-style: chr5-80150031-G-A.
Other names: short protein forms A966T.
Identifiers: ClinVar variation 1052079 (VCV001052079.9), dbSNP rs1745878346, ClinGen allele CA360275640.

ClinVar aggregate classification (germline): Uncertain significance (1 of 4 stars; one submission).

Allele frequency attached by ClinVar (database versions not stated): TOPMed below 0.00001.

Submission:

Labcorp Genetics (formerly Invitae), Labcorp
Classification: Uncertain significance. Last evaluated: 2025-12-22. Review status: criteria provided, single submitter. Criteria: Invitae Variant Classification Sherloc (09022015). Collection method: clinical testing. Allele origin: germline.
Comment: This sequence change replaces alanine, which is neutral and non-polar, with threonine, which is neutral and polar, at codon 966 of the MSH3 protein (p.Ala966Thr). This variant is not present in population databases (gnomAD no frequency). This variant has not been reported in the literature in individuals affected with MSH3-related conditions. ClinVar contains an entry for this variant (Variation ID: 1052079). An algorithm developed to predict the effect of missense changes on protein structure and function (PolyPhen-2) suggests that this variant is likely to be disruptive. In summary, the available evidence is currently insufficient to determine the role of this variant in disease. Therefore, it has been classified as a Variant of Uncertain Significance.